The following is an entry in ClinVar:

ClinVar aggregate classification (germline): Uncertain significance (1 of 4 stars; one submission).

Submission:

GeneDx
Classification: Uncertain significance. Last evaluated: 2025-03-07. Review status: criteria provided, single submitter. Criteria: GeneDx Variant Classification Process June 2021. Collection method: clinical testing. Allele origin: germline. Affected: yes.
Comment: Not observed at significant frequency in large population cohorts (gnomAD); In silico analysis supports that this missense variant has a deleterious effect on protein structure/function; Has not been previously published as pathogenic or benign to our knowledge

NM_002025.4(AFF2):c.2207G>A (p.Cys736Tyr)

Gene: AFF2 (ALF transcription elongation factor 2; plus strand). Cytogenetic location: Xq28.
Variant type: single nucleotide variant.
Coding change: c.2207G>A on transcript NM_002025.4 (MANE Select); coding-DNA position 2207, G replaced by A.
Protein change: p.Cys736Tyr; replaces cysteine 736 with tyrosine.
Molecular consequence: missense variant.
Genome position (GRCh38, 1-based): chrX:148,956,252, G>A. VCF-style: chrX-148956252-G-A. GRCh37 (hg19) VCF-style: chrX-148037782-G-A.
Other names: c.2108G>A, p.Cys703Tyr (NM_001169122.2); c.2177G>A, p.Cys726Tyr (NM_001169123.2); c.2102G>A, p.Cys701Tyr (NM_001169124.2); c.2090G>A, p.Cys697Tyr (NM_001169125.2); c.1130G>A, p.Cys377Tyr (NM_001170628.1); short protein forms C377Y, C697Y, C701Y, C703Y, C726Y, C736Y.
Identifiers: ClinVar variation 4083018 (VCV004083018.1).
Genomic context (GRCh38, chrX:148,956,252, plus strand): 5'-CTACATCTGACTCCAACACAGATCAGGAAGAGACCCTGCAAATCAAAGTCCTGCCTCCGT[G>A]CATTATTTCTGGAGGTAATACTGCCAAATCCAAGGAAATCTGTGGTGCCAGCCTGACCCT-3'
Protein context (NP_002016.2, residues 726-746): ETLQIKVLPP[Cys736Tyr]IISGGNTAKS